The following is an entry in ClinVar:

ClinVar aggregate classification (germline): Benign (0 of 4 stars; one submission).

Conditions:
SHROOM2-related disorder. Also called: SHROOM2-related condition.

Allele frequency attached by ClinVar (database versions not stated): ExAC 0.00298; ESP Exome Variant Server 0.00571; gnomAD 0.00636; TOPMed 0.00706; 1000 Genomes Project 0.00848; 1000 Genomes Project 30x 0.00978.

Submission:

PreventionGenetics, part of Exact Sciences
Classification: Benign for SHROOM2-related condition. Last evaluated: 2024-08-13. Review status: no assertion criteria provided. Collection method: clinical testing. Allele origin: germline.
Comment: This variant is classified as benign based on ACMG/AMP sequence variant interpretation guidelines (Richards et al. 2015 PMID: 25741868, with internal and published modifications).

NM_001649.4(SHROOM2):c.1639G>A (p.Ala547Thr)

Gene: SHROOM2 (shroom family member 2; plus strand). Cytogenetic location: Xp22.2.
Variant type: single nucleotide variant.
Coding change: c.1639G>A on transcript NM_001649.4 (MANE Select); coding-DNA position 1639, G replaced by A.
Protein change: p.Ala547Thr; replaces alanine 547 with threonine.
Molecular consequence: missense variant.
Genome position (GRCh38, 1-based): chrX:9,895,547, G>A. VCF-style: chrX-9895547-G-A. GRCh37 (hg19) VCF-style: chrX-9863587-G-A.
Other names: short protein forms A547T.
Identifiers: ClinVar variation 3039747 (VCV003039747.2), dbSNP rs61739685, ClinGen allele CA10345436.
Genomic context (GRCh38, chrX:9,895,547, plus strand): 5'-CCGGATGCCCGCGAGACAGGACGGTGTTACCCGCTGGACAAAGGGGCCGAGGGCTGCTCC[G>A]CGGGAGCCCAGGAGCCTCCCAGGGCCAGCCGTGCAGAAAAAGCCAGCCAGAGGCTGGCAG-3'
Protein context (NP_001640.1, residues 537-557): PLDKGAEGCS[Ala547Thr]GAQEPPRASR